The following is an entry in ClinVar:

ClinVar aggregate classification (germline): Benign (0 of 4 stars; one submission).

Conditions:
COL15A1-related disorder. Also called: COL15A1-related condition.

Allele frequency attached by ClinVar (database versions not stated): 1000 Genomes Project 0.06390; 1000 Genomes Project 30x 0.06715; TOPMed 0.07679; ESP Exome Variant Server 0.08519.
gnomAD v4.1: 127,191 of 1,613,362 alleles (7.9%); highest among the groups gnomAD compares: African/African-American, 9.3%; 5,458 homozygotes.

Submission:

PreventionGenetics, part of Exact Sciences
Classification: Benign for COL15A1-related condition. Last evaluated: 2020-03-02. Review status: no assertion criteria provided. Collection method: clinical testing. Allele origin: germline.
Comment: This variant is classified as benign based on ACMG/AMP sequence variant interpretation guidelines (Richards et al. 2015 PMID: 25741868, with internal and published modifications).

NM_001855.5(COL15A1):c.1518A>C (p.Glu506Asp)

Gene: COL15A1 (collagen type XV alpha 1 chain; plus strand). Cytogenetic location: 9q22.33.
Variant type: single nucleotide variant.
Coding change: c.1518A>C on transcript NM_001855.5 (MANE Select); coding-DNA position 1518, A replaced by C.
Protein change: p.Glu506Asp; replaces glutamic acid 506 with aspartic acid.
Molecular consequence: missense variant.
Genome position (GRCh38, 1-based): chr9:99,015,990, A>C. VCF-style: chr9-99015990-A-C. GRCh37 (hg19) VCF-style: chr9-101778272-A-C.
Other names: short protein forms E506D.
Identifiers: ClinVar variation 3056336 (VCV003056336.2), dbSNP rs35250850, ClinGen allele CA5154941.